The following is an entry in ClinVar:

ClinVar aggregate classification (germline): Likely benign. Review status: criteria provided, multiple submitters, no conflicts (2 of 4 stars). 3 submissions from 3 submitters: Likely benign (3). Last evaluated 2026-01-26.

Allele frequency attached by ClinVar (database versions not stated): gnomAD 0.00010; gnomAD exomes 0.00013 and 0.00018; TOPMed 0.00015.
gnomAD v4.1: 234 of 1,357,948 alleles (0.017%); highest among the groups gnomAD compares: Non-Finnish European, 0.021%; no homozygotes.

Submissions (3):

Labcorp Genetics (formerly Invitae), Labcorp
Classification: Likely benign. Last evaluated: 2026-01-26. Review status: criteria provided, single submitter. Criteria: Invitae Variant Classification Sherloc (09022015). Collection method: clinical testing. Allele origin: germline.

Blueprint Genetics
Classification: Likely benign. Last evaluated: 2024-10-21. Review status: criteria provided, single submitter. Criteria: ACMG Guidelines, 2015. Collection method: clinical testing. Allele origin: germline.

CeGaT Center for Human Genetics Tuebingen
Classification: Likely benign. Last evaluated: 2024-03-01. Review status: criteria provided, single submitter. Criteria: CeGaT Center For Human Genetics Tuebingen Variant Classification Criteria Version 2. Collection method: clinical testing. Allele origin: germline. Affected: yes. Observed: 1 variant allele.
Comment: DCHS1: BP4, BP7

NM_003737.4(DCHS1):c.4476C>G (p.Thr1492=)

Gene: DCHS1 (dachsous cadherin-related 1; minus strand). Cytogenetic location: 11p15.4.
Variant type: single nucleotide variant.
Coding change: c.4476C>G on transcript NM_003737.4 (MANE Select); coding-DNA position 4476, C replaced by G.
Protein change: p.Thr1492=; no amino-acid change (threonine 1492 retained).
Molecular consequence: synonymous variant.
Genome position (GRCh38, 1-based): chr11:6,630,318, G>C on the plus strand (C>G on the coding strand, the complement: DCHS1 is on the minus strand). VCF-style: chr11-6630318-G-C. GRCh37 (hg19) VCF-style: chr11-6651549-G-C.
Identifiers: ClinVar variation 709504 (VCV000709504.30), dbSNP rs1041489241, ClinGen allele CA217298871.